The following is an entry in ClinVar:

NM_001005242.3(PKP2):c.400A>C (p.Lys134Gln)

Gene: PKP2 (plakophilin 2; minus strand). Cytogenetic location: 12p11.21.
Variant type: single nucleotide variant.
Coding change: c.400A>C on transcript NM_001005242.3 (MANE Select); coding-DNA position 400, A replaced by C.
Protein change: p.Lys134Gln; replaces lysine 134 with glutamine.
Molecular consequence: missense variant.
Genome position (GRCh38, 1-based): chr12:32,878,480, T>G on the plus strand (A>C on the coding strand, the complement: PKP2 is on the minus strand). VCF-style: chr12-32878480-T-G. GRCh37 (hg19) VCF-style: chr12-33031414-T-G.
Other names: c.400A>C, p.Lys134Gln (NM_001407155.1, NM_001407156.1, NM_001407157.1 and 2 more transcripts); c.73A>C, p.Lys25Gln (NM_001407158.1, NM_001407159.1, NM_001407160.1 and 1 more transcripts); short protein forms K134Q, K25Q.
Identifiers: ClinVar variation 3072486 (VCV003072486.1), dbSNP rs2541342733, ClinGen allele CA384365387.
Genomic context (GRCh38, chr12:32,878,480, plus strand): 5'-TGTCAGGAGAAATCTCCAGTCTCCTCAGAGGATGCCTCAAGGACCTTTCTTCCACGGACT[T>G]CTGGGAGCTGTACTGTGCTGTTCCTCTTCCCCAGCGACCTTCATAAGTGGCAGTTGTGCC-3'
Protein context (NP_001005242.2, residues 124-144): GRGTAQYSSQ[Lys134Gln]SVEERSLRHP

ClinVar aggregate classification (germline): Uncertain significance (1 of 4 stars; one submission).

Conditions:
Arrhythmogenic right ventricular cardiomyopathy (ARVD). Also called: Arrhythmogenic right ventricular dysplasia; Cardiomyopathy, ARVC; Arrhythmogenic cardiomyopathy; Arrhythmogenic Right Ventricular Cardiomyopathy (ARVC). Identifiers: Orphanet 247, MedGen C0349788, MeSH D019571, MONDO:0016587. Disease mechanism: loss of function. Inheritance: Various modes of inheritance.

Submission:

All of Us Research Program, National Institutes of Health
Classification: Uncertain significance for Arrhythmogenic right ventricular cardiomyopathy. Last evaluated: 2023-07-19. Review status: criteria provided, single submitter. Criteria: ACMG Guidelines, 2015. Collection method: clinical testing. Allele origin: germline. Inheritance: Autosomal dominant inheritance. Observed: 1 variant allele, 1 heterozygote.
Comment: This missense variant replaces lysine with glutamine at codon 134 of the PKP2 protein. Computational prediction suggests that this variant may not impact protein structure and function (internally defined REVEL score threshold <= 0.5, PMID: 27666373). To our knowledge, functional studies have not been reported for this variant. This variant has not been reported in individuals affected with PKP2-related disorders in the literature. This variant has not been identified in the general population by the Genome Aggregation Database (gnomAD). The available evidence is insufficient to determine the role of this variant in disease conclusively. Therefore, this variant is classified as a Variant of Uncertain Significance.

This study involves interpretation of variants in research participants for the purpose of population health screening. Participant phenotype was not available at the time of variant classification. Additional details can be found in publication PMID: 35346344, PMCID: PMC8962531